The following is an entry in ClinVar:

ClinVar aggregate classification (germline): Uncertain significance (1 of 4 stars; one submission).

Submission:

Ambry Genetics
Classification: Uncertain significance. Last evaluated: 2023-11-23. Review status: criteria provided, single submitter. Criteria: Ambry Variant Classification Scheme 2023. Collection method: clinical testing. Allele origin: germline.
Comment: The p.T686I variant (also known as c.2057C>T), located in coding exon 4 of the ALPK2 gene, results from a C to T substitution at nucleotide position 2057. The threonine at codon 686 is replaced by isoleucine, an amino acid with similar properties. This amino acid position is conserved. In addition, this alteration is predicted to be tolerated by in silico analysis. Since supporting evidence is limited at this time, the clinical significance of this alteration remains unclear.

NM_052947.4(ALPK2):c.2057C>T (p.Thr686Ile)

Gene: ALPK2 (alpha kinase 2; minus strand). Cytogenetic location: 18q21.31.
Variant type: single nucleotide variant.
Coding change: c.2057C>T on transcript NM_052947.4 (MANE Select); coding-DNA position 2057, C replaced by T.
Protein change: p.Thr686Ile; replaces threonine 686 with isoleucine.
Molecular consequence: missense variant.
Genome position (GRCh38, 1-based): chr18:58,538,130, G>A on the plus strand (C>T on the coding strand, the complement: ALPK2 is on the minus strand). VCF-style: chr18-58538130-G-A. GRCh37 (hg19) VCF-style: chr18-56205362-G-A.
Other names: short protein forms T686I.
Identifiers: ClinVar variation 3228608 (VCV003228608.1), dbSNP rs2518878160, ClinGen allele CA402571801.